The following is an entry in ClinVar:

ClinVar aggregate classification (germline): Conflicting classifications of pathogenicity. Review status: criteria provided, conflicting classifications (1 of 4 stars). 3 submissions from 3 submitters: Pathogenic (1); Likely pathogenic (1); Uncertain significance (1). Last evaluated 2026-01-19.

Conditions:
Inborn genetic diseases. Identifiers: MedGen C0950123, MeSH D030342.
Frontotemporal dementia and/or amyotrophic lateral sclerosis 6 (FTDALS6). Also called: VCP-Related Amyotrophic Lateral Sclerosis; VCP-Related Amyotrophic Lateral Sclerosis/Frontotemporal Dementia. Identifiers: Orphanet 275872, Orphanet 803, MedGen C5436279, MONDO:0013501, OMIM 613954.
Inclusion body myopathy with Paget disease of bone and frontotemporal dementia. Also called: Inclusion body myopathy with early-onset Paget disease and frontotemporal dementia. Identifiers: Orphanet 52430, MedGen C1833662, MONDO:0000507.
Neurodevelopmental disorder. Identifiers: MedGen C1535926, MeSH D065886, MONDO:0700092.

Submissions (3):

Labcorp Genetics (formerly Invitae), Labcorp
Classification: Likely pathogenic for Inclusion body myopathy with Paget disease of bone and frontotemporal dementia; Frontotemporal dementia and/or amyotrophic lateral sclerosis 6. Last evaluated: 2026-01-19. Review status: criteria provided, single submitter. Criteria: Invitae Variant Classification Sherloc (09022015). Collection method: clinical testing. Allele origin: germline.
Comment: This variant, c.801_803del, results in the deletion of 1 amino acid(s) of the VCP protein (p.Phe267del), but otherwise preserves the integrity of the reading frame. This variant is not present in population databases (gnomAD no frequency). This variant has been observed in individual(s) with clinical features of VCP-related conditions (PMID: 33737586, 35982159, 37883978, 38965372). In at least one individual the variant was observed to be de novo. This variant is also known as p.267_268del. Algorithms developed to predict the effect of variants on gene product structure and function are not available or were not evaluated for this variant. Experimental studies are conflicting or provide insufficient evidence to determine the effect of this variant on VCP function (PMID: 37883978). In summary, the currently available evidence indicates that the variant is pathogenic, but additional data are needed to prove that conclusively. Therefore, this variant has been classified as Likely Pathogenic.

Ambry Genetics
Classification: Pathogenic for Inborn genetic diseases. Last evaluated: 2025-07-30. Review status: criteria provided, single submitter. Criteria: Ambry Variant Classification Scheme 2023. Collection method: clinical testing. Allele origin: germline.
Comment: The c.801_803delCTT (p.F267del) alteration is located in exon 7 (coding exon 7) of the VCP gene. This alteration consists of an in-frame deletion of 3 nucleotides between nucleotide positions c.801 and c.803, resulting in the deletion of 1 residue. for VCP-related neurodevelopmental disorder; however, its clinical significance for VCP-related multisystem proteinopathy is uncertain. This variant was not reported in population-based cohorts in the Genome Aggregation Database (gnomAD). This variant was reported in individual(s) with features consistent with VCP-related neurodevelopmental disorder; in at least one individual, it was determined to be de novo (Mah-Som, 2023; Smal, 2024). This variant was also reported in individual(s) with features consistent with VCP-related multisystem proteinopathy (Sassi, 2021). This amino acid position is highly conserved in available vertebrate species. This alteration is predicted to be deleterious by in silico analysis (Choi, 2012). Based on the available evidence, this alteration is classified as pathogenic.

Victorian Clinical Genetics Services, Murdoch Childrens Research Institute
Classification: Uncertain significance for Neurodevelopmental disorder. Last evaluated: 2024-10-15. Review status: criteria provided, single submitter. Criteria: ACMG Guidelines, 2015. Collection method: clinical testing. Allele origin: germline. Affected: yes.
Comment: This variant is classified as VUS-3A. Evidence in support of pathogenic classification: In-frame insertion/deletion fully contained in a repetitive region that has high conservation; Variant is absent from gnomAD (v2, v3 and v4); This variant has moderate functional evidence supporting abnormal protein function. In vitro ATPase assay results demonstrated a significant increase in enzyme activity for this variant compared to wild-type (PMID: 37883978). Additional information: This variant is heterozygous; This gene is associated with autosomal dominant disease; Previous evidence of pathogenicity for this variant is inconclusive. This variant has been classified once as a VUS by a clinical laboratory in ClinVar. In the literature, this variant has been reported in at least one de novo individual with intellectual disability and dysmorphic features (PMID: 38965372, PMID: 37883978). This variant has also been reported in a family from a frontotemporal dementia cohort (PMID: 33737586); No comparable inframe deletion variants have previous evidence for pathogenicity; Variant is located in the annotated AAA domain (DECIPHER); The mechanism of disease for this gene is not clearly established. Loss of function and gain of function mechanisms have been proposed for variants in this gene; however, there is no clear genotype-phenotype correlation (PMIDs: 37883978, 35741724); Variants in this gene are known to have variable expressivity. Considerable phenotypic heterogeneity has been observed, both between and within families (OMIM); Parental origin of the variant is unresolved.

Literature cited by the submitters: PubMed 33737586 (cited by 3 submitters); PubMed 35982159 (cited by Labcorp Genetics (formerly Invitae), Labcorp); PubMed 37883978 (cited by 3 submitters); PubMed 38965372 (cited by 3 submitters); PubMed 20301649 (cited by Ambry Genetics); PubMed 35741724 (cited by Victorian Clinical Genetics Services, Murdoch Childrens Research Institute).

NM_007126.5(VCP):c.792CTT[3] (p.Phe267del)

Gene: VCP (valosin containing protein; minus strand). Cytogenetic location: 9p13.3.
Variant type: Microsatellite.
Coding change: c.792CTT[3] on transcript NM_007126.5 (MANE Select); three copies in a row of the 3-base unit CTT starting at c.792; the reference has four copies in a row; one copy, 3 bases deleted; also written c.801_803del.
Protein change: p.Phe267del; deletes phenylalanine 267.
Molecular consequence: inframe deletion. On other transcripts: inframe indel (1).
Genome position (GRCh38, 1-based): chr9:35,062,986-35,062,988, AAG deleted on the plus strand (CTT on the coding strand, the reverse complement: VCP is on the minus strand); deleting any 3 consecutive bases within chr9:35,062,986-35,062,997 gives the same sequence; the position shown is the placement nearest the transcript's 3' end. VCF-style (leftmost placement, unchanged base first): chr9-35062985-CAAG-C. GRCh37 (hg19) VCF-style: chr9-35062982-CAAG-C.
Other names: c.801_803delCTT (NM_007126.3); c.801_803del (NM_007126.5); c.657CTT[3], p.Phe222del (NM_001354927.2, NM_001354928.2); c.792_794CTT[3], p.Phe267del (NM_007126.3); short protein forms F222del, F267del.
Identifiers: ClinVar variation 1913089 (VCV001913089.7), dbSNP rs774809989, ClinGen allele CA5039379.